The following is an entry in ClinVar:

ClinVar aggregate classification (germline): Uncertain significance. Review status: criteria provided, multiple submitters, no conflicts (2 of 4 stars). 8 submissions from 8 submitters: Uncertain significance (8). Last evaluated 2026-07-10.

Conditions:
MYPN-related disorder. Also called: MYPN-related condition.
MYPN-related myopathy (CMYO24). Also called: Nemaline myopathy 11, autosomal recessive. Identifiers: MedGen C4479186, MONDO:0015023, OMIM 617336.
Dilated cardiomyopathy 1KK (CMD1KK). Identifiers: Orphanet 154, Orphanet 75249, MedGen C3714995, MONDO:0014100, OMIM 615248.
Cardiovascular phenotype. Identifiers: MedGen CN230736.

Allele frequency attached by ClinVar (database versions not stated): TOPMed 0.00004; ESP Exome Variant Server 0.00008; 1000 Genomes Project 30x 0.00047.
gnomAD v4.1: 109 of 1,614,056 alleles (0.0068%); highest among the groups gnomAD compares: Admixed American, 0.015%; no homozygotes.

Submissions (8):

PreventionGenetics, part of Exact Sciences
Classification: Uncertain significance for MYPN-related condition. Last evaluated: 2026-07-10. Review status: criteria provided, single submitter. Criteria: ACMG Guidelines, 2015. Collection method: clinical testing. Allele origin: germline.
Comment: The MYPN c.2756G>A variant is predicted to result in the amino acid substitution p.Arg919His. This variant has been reported as a cardiomyopathy-associated variant (Supplemental Table 3, Ng et al. 2013. PubMed ID: 23861362). This variant is reported in 0.010% of alleles in individuals of European (Non-Finnish) descent in gnomAD. At this time, the clinical significance of this variant is uncertain due to the absence of conclusive functional and genetic evidence.

Mayo Clinic Laboratories, Mayo Clinic
Classification: Uncertain significance. Last evaluated: 2025-06-06. Review status: criteria provided, single submitter. Criteria: ACMG Guidelines, 2015. Collection method: clinical testing. Allele origin: germline. Observed: 1 variant allele.

Ambry Genetics
Classification: Uncertain significance for Cardiovascular phenotype. Last evaluated: 2023-06-29. Review status: criteria provided, single submitter. Criteria: Ambry Variant Classification Scheme 2023. Collection method: clinical testing. Allele origin: germline.
Comment: The p.R919H variant (also known as c.2756G>A), located in coding exon 12 of the MYPN gene, results from a G to A substitution at nucleotide position 2756. The arginine at codon 919 is replaced by histidine, an amino acid with highly similar properties. This alteration has been reported as a secondary cardiac variant in an exome cohort; however, clinical details are limited (Ng D et al. Circ Cardiovasc Genet, 2013 Aug;6:337-46). This amino acid position is highly conserved in available vertebrate species. In addition, this alteration is predicted to be deleterious by in silico analysis. Since supporting evidence is limited at this time, the clinical significance of this alteration remains unclear.

GeneDx
Classification: Uncertain significance. Last evaluated: 2023-03-31. Review status: criteria provided, single submitter. Criteria: GeneDx Variant Classification Process June 2021. Collection method: clinical testing. Allele origin: germline. Affected: yes.
Comment: Has not been previously published as pathogenic or benign to our knowledge; In silico analysis supports that this missense variant has a deleterious effect on protein structure/function

Labcorp Genetics (formerly Invitae), Labcorp
Classification: Uncertain significance for Dilated cardiomyopathy 1KK. Last evaluated: 2022-10-19. Review status: criteria provided, single submitter. Criteria: Invitae Variant Classification Sherloc (09022015). Collection method: clinical testing. Allele origin: germline.
Comment: This sequence change replaces arginine, which is basic and polar, with histidine, which is basic and polar, at codon 919 of the MYPN protein (p.Arg919His). This variant is present in population databases (rs193022869, gnomAD 0.01%). This variant has not been reported in the literature in individuals affected with MYPN-related conditions. ClinVar contains an entry for this variant (Variation ID: 191755). Algorithms developed to predict the effect of missense changes on protein structure and function are either unavailable or do not agree on the potential impact of this missense change (SIFT: "Tolerated"; PolyPhen-2: "Probably Damaging"; Align-GVGD: "Class C0"). In summary, the available evidence is currently insufficient to determine the role of this variant in disease. Therefore, it has been classified as a Variant of Uncertain Significance.

Fulgent Genetics
Classification: Uncertain significance for Dilated cardiomyopathy 1KK; MYPN-related myopathy. Last evaluated: 2021-09-21. Review status: criteria provided, single submitter. Criteria: ACMG Guidelines, 2015. Collection method: clinical testing. Allele origin: unknown.

Laboratory for Molecular Medicine, Mass General Brigham Personalized Medicine
Classification: Uncertain significance. Last evaluated: 2020-12-15. Review status: criteria provided, single submitter. Criteria: ACMG Guidelines, 2015. Collection method: clinical testing. Allele origin: germline.
Comment: The p.Arg919His variant in MYPN has not been previously reported in individuals with cardiomyopathy but has been identified in 0.01% (13/128816) of European chromosomes by gnomAD. Computational prediction tools and conservation analysis do not provide strong support for or against an impact to the protein. In summary, the clinical significance of this variant is uncertain. ACMG/AMP Criteria applied: BS1_Supporting.

Biesecker Lab/Clinical Genomics Section, National Institutes of Health
Classification: Uncertain significance. Last evaluated: 2013-06-24. Review status: criteria provided, single submitter. Criteria: Ng et al. (Circ Cardiovasc Genet. 2013). Collection method: research. Allele origin: unknown. Observed: 1 variant allele. Study: ClinSeq.
Comment: The study set was not selected for affection status in relation to any cancer. Pathogenicity categories were based on literature curation. See Pubmed ID:23861362 for details.

Medical sequencing

Literature cited by the submitters: PubMed 23861362 (cited by Mayo Clinic Laboratories, Mayo Clinic and Ambry Genetics).

NM_032578.4(MYPN):c.2756G>A (p.Arg919His)

Gene: MYPN (myopalladin; plus strand). Cytogenetic location: 10q21.3.
Variant type: single nucleotide variant.
Coding change: c.2756G>A on transcript NM_032578.4 (MANE Select); coding-DNA position 2756, G replaced by A.
Protein change: p.Arg919His; replaces arginine 919 with histidine.
Molecular consequence: missense variant. On other transcripts: non-coding transcript variant (2).
Genome position (GRCh38, 1-based): chr10:68,188,957, G>A. VCF-style: chr10-68188957-G-A. GRCh37 (hg19) VCF-style: chr10-69948714-G-A.
Other names: p.Arg919His; c.2756G>A, p.Arg919His (NM_001256267.2); c.1874G>A, p.Arg625His (NM_001256268.2); short protein forms R919H, R625H.
Identifiers: ClinVar variation 191755 (VCV000191755.22), dbSNP rs193022869, ClinGen allele CA237466.
Genomic context (GRCh38, chr10:68,188,957, plus strand): 5'-TTTGACAGGAGTACAAAATTTCAAGCTTTGAGCAGAGGCTGATGAATGAAATAGAGTTTC[G>A]CTTGGAACGTACTCCTGTTGATGAATCAGATGATGAAATTCAACATGATGAGATCCCCAC-3'
Protein context (NP_115967.2, residues 909-929): EQRLMNEIEF[Arg919His]LERTPVDESD